The following is an entry in ClinVar:

ClinVar aggregate classification (germline): Uncertain significance (1 of 4 stars; one submission).

gnomAD v4.1: 2 of 1,613,926 alleles (0.00012%); highest among the groups gnomAD compares: Non-Finnish European, 0.00017%; no homozygotes.

Submission:

Labcorp Genetics (formerly Invitae), Labcorp
Classification: Uncertain significance. Last evaluated: 2024-10-01. Review status: criteria provided, single submitter. Criteria: Invitae Variant Classification Sherloc (09022015). Collection method: clinical testing. Allele origin: germline.
Comment: This sequence change replaces cysteine, which is neutral and slightly polar, with glycine, which is neutral and non-polar, at codon 348 of the TNNI3K protein (p.Cys348Gly). This variant is not present in population databases (gnomAD no frequency). This variant has not been reported in the literature in individuals affected with TNNI3K-related conditions. Invitae Evidence Modeling of protein sequence and biophysical properties (such as structural, functional, and spatial information, amino acid conservation, physicochemical variation, residue mobility, and thermodynamic stability) indicates that this missense variant is not expected to disrupt TNNI3K protein function with a negative predictive value of 80%. In summary, the available evidence is currently insufficient to determine the role of this variant in disease. Therefore, it has been classified as a Variant of Uncertain Significance.

NM_015978.3(TNNI3K):c.1042T>G (p.Cys348Gly)

Genes: FPGT-TNNI3K (FPGT-TNNI3K readthrough; plus strand), TNNI3K (TNNI3 interacting kinase; plus strand). Cytogenetic location: 1p31.1.
Variant type: single nucleotide variant.
Coding change: c.1042T>G on transcript NM_015978.3 (MANE Select); coding-DNA position 1042, T replaced by G.
Protein change: p.Cys348Gly; replaces cysteine 348 with glycine.
Molecular consequence: missense variant.
Genome position (GRCh38, 1-based): chr1:74,353,994, T>G. VCF-style: chr1-74353994-T-G. GRCh37 (hg19) VCF-style: chr1-74819678-T-G.
Other names: c.1345T>G, p.Cys449Gly (NM_001112808.3, NM_001199327.2); short protein forms C449G, C348G.
Identifiers: ClinVar variation 3685155 (VCV003685155.2).
Genomic context (GRCh38, chr1:74,353,994, plus strand): 5'-TTTTTCTTTTTTCTCCTTTTGTTCTTTCAATTCTTTTCTATTACAGGATTACACTCTGCT[T>G]GCTACCACGGTCACATTCGCCTGGTTCAGTTCTTACTGGATAATGGAGCTGATATGAATC-3'
Protein context (NP_057062.1, residues 338-358): RDGHTGLHSA[Cys348Gly]YHGHIRLVQF